The following is an entry in ClinVar:

NM_001144967.3(NEDD4L):c.513+3A>G

Gene: NEDD4L (NEDD4 like E3 ubiquitin protein ligase; plus strand). Cytogenetic location: 18q21.31.
Variant type: single nucleotide variant.
Coding change: c.513+3A>G on transcript NM_001144967.3 (MANE Select); 3 bases into the intron after coding-DNA position 513, A replaced by G.
Molecular consequence: intron variant.
Genome position (GRCh38, 1-based): chr18:58,323,337, A>G. VCF-style: chr18-58323337-A-G. GRCh37 (hg19) VCF-style: chr18-55990569-A-G.
Other names: c.513+3A>G (NM_015277.6, NM_001243960.2); c.150+3A>G (NM_001144964.1, NM_001144971.2, NM_001144965.2 and 2 more transcripts); c.489+3A>G (NM_001144968.2, NM_001144969.2).
Identifiers: ClinVar variation 2025800 (VCV002025800.4), dbSNP rs2516075686, ClinGen allele CA2580095949.

ClinVar aggregate classification (germline): Uncertain significance (1 of 4 stars; one submission).

Allele frequency attached by ClinVar (database versions not stated): gnomAD exomes below 0.00001.
gnomAD v4.1: 1 of 1,530,288 alleles (0.000065%); highest among the groups gnomAD compares: Non-Finnish European, 0.00009%; no homozygotes.

Submission:

Labcorp Genetics (formerly Invitae), Labcorp
Classification: Uncertain significance. Last evaluated: 2022-09-05. Review status: criteria provided, single submitter. Criteria: Invitae Variant Classification Sherloc (09022015). Collection method: clinical testing. Allele origin: germline.
Comment: In summary, the available evidence is currently insufficient to determine the role of this variant in disease. Therefore, it has been classified as a Variant of Uncertain Significance. This sequence change falls in intron 8 of the NEDD4L gene. It does not directly change the encoded amino acid sequence of the NEDD4L protein. It affects a nucleotide within the consensus splice site. This variant is not present in population databases (gnomAD no frequency). This variant has not been reported in the literature in individuals affected with NEDD4L-related conditions. Variants that disrupt the consensus splice site are a relatively common cause of aberrant splicing (PMID: 17576681, 9536098). Algorithms developed to predict the effect of sequence changes on RNA splicing suggest that this variant is not likely to affect RNA splicing.

Literature cited by the submitters: PubMed 17576681; PubMed 9536098.